The following is an entry in ClinVar:

ClinVar aggregate classification (germline): Uncertain significance (1 of 4 stars; one submission).

Conditions:
Pheochromocytoma/paraganglioma syndrome 3. Also called: GLOMUS TUMORS, FAMILIAL, 3; Paragangliomas 3; SDHC-Related Hereditary Paraganglioma-Pheochromocytoma Syndrome (Paragangliomas 3); SDHC-Related Hereditary Paraganglioma-Pheochromocytoma Syndrome. Identifiers: Orphanet 29072, MedGen C1854336, MONDO:0011544, OMIM 605373.
Gastrointestinal stromal tumor. Also called: Gastrointestinal stromal tumor, somatic; Gastrointestinal stroma tumor. Identifiers: Orphanet 44890, MedGen C0238198, MeSH D046152, MONDO:0011719, OMIM 606764, HP:0100723.

Submission:

Labcorp Genetics (formerly Invitae), Labcorp
Classification: Uncertain significance for Paragangliomas 3; Gastrointestinal stroma tumor. Last evaluated: 2019-09-16. Review status: criteria provided, single submitter. Criteria: Invitae Variant Classification Sherloc (09022015). Collection method: clinical testing. Allele origin: germline.
Comment: This variant results in a copy number gain of the genomic region encompassing exons 5-6 of the SDHC gene. The 5' boundary is likely confined to intron 4. The 3' end of this event is unknown as it extends beyond the assayed region for this gene and therefore may encompass additional genes. As the precise location of this event is unknown, it may be in tandem or it may be located elsewhere in the genome. Copy number gains of exons 5-6 have not been reported in the literature in individuals with SDHC-related disease. ClinVar contains an entry for a similar copy number gain (Variation ID: 465960). Experimental studies and prediction algorithms are not available for this variant, and the functional significance of the duplicated amino acids is currently unknown. In summary, the available evidence is currently insufficient to determine the role of this variant in disease. Therefore, it has been classified as a Variant of Uncertain Significance.

NC_000001.11:g.(?_161356667)_(161362518_?)dup

Gene: SDHC (succinate dehydrogenase complex subunit C; plus strand). Cytogenetic location: 1q23.3.
Variant type: Duplication.
Identifiers: ClinVar variation 831465 (VCV000831465.1).